The following is an entry in ClinVar:

ClinVar aggregate classification (germline): Uncertain significance. Review status: criteria provided, multiple submitters, no conflicts (2 of 4 stars). 2 submissions from 2 submitters: Uncertain significance (2). Last evaluated 2023-03-03.

Conditions:
Nephrolithiasis, calcium oxalate. Also called: Calcium oxalate urolithiasis. Identifiers: MedGen C1833683, MONDO:0957318, HP:0008672.

gnomAD v4.1: 56 of 1,604,606 alleles (0.0035%); highest among the groups gnomAD compares: Middle Eastern, 0.017%; 1 homozygote.

Submissions (2):

Labcorp Genetics (formerly Invitae), Labcorp
Classification: Uncertain significance. Last evaluated: 2023-03-03. Review status: criteria provided, single submitter. Criteria: Invitae Variant Classification Sherloc (09022015). Collection method: clinical testing. Allele origin: germline.
Comment: In summary, the available evidence is currently insufficient to determine the role of this variant in disease. Therefore, it has been classified as a Variant of Uncertain Significance. Advanced modeling of protein sequence and biophysical properties (such as structural, functional, and spatial information, amino acid conservation, physicochemical variation, residue mobility, and thermodynamic stability) performed at Invitae indicates that this missense variant is not expected to disrupt SLC26A1 protein function. ClinVar contains an entry for this variant (Variation ID: 1429186). This variant has not been reported in the literature in individuals affected with SLC26A1-related conditions. This variant is present in population databases (rs372848776, gnomAD 0.008%). This sequence change replaces aspartic acid, which is acidic and polar, with asparagine, which is neutral and polar, at codon 213 of the SLC26A1 protein (p.Asp213Asn).

Fulgent Genetics
Classification: Uncertain significance for Nephrolithiasis susceptibility caused by SLC26A1. Last evaluated: 2021-08-31. Review status: criteria provided, single submitter. Criteria: ACMG Guidelines, 2015. Collection method: clinical testing. Allele origin: unknown.

NM_022042.4(SLC26A1):c.637G>A (p.Asp213Asn)

Genes: IDUA (alpha-L-iduronidase; plus strand), SLC26A1 (solute carrier family 26 member 1; minus strand). Cytogenetic location: 4p16.3.
Variant type: single nucleotide variant.
Coding change: c.637G>A on transcript NM_022042.4 (MANE Select); coding-DNA position 637, G replaced by A.
Protein change: p.Asp213Asn; replaces aspartic acid 213 with asparagine.
Molecular consequence: missense variant. On other transcripts: intron variant (2).
Genome position (GRCh38, 1-based): chr4:990,302, C>T on the plus strand (G>A on the coding strand, the complement: SLC26A1 is on the minus strand). VCF-style: chr4-990302-C-T. GRCh37 (hg19) VCF-style: chr4-984090-C-T.
Other names: c.637G>A, p.Asp213Asn (NM_213613.4); c.576+826G>A (NM_134425.4); c.299+2353C>T (NM_000203.5); short protein forms D213N.
Identifiers: ClinVar variation 1429186 (VCV001429186.20), dbSNP rs372848776, ClinGen allele CA2801585.
Genomic context (GRCh38, chr4:990,302, plus strand): 5'-CCAGCAGGTGTTTGAGCTGCGAGGTCAGGATGGTCACGGAGGCCCCCATGGCAAAGCCAT[C>T]GAGCAGTGGCTGTGAGAGGTAGGCGGACACGAAGCCCAGCCGGAGGACGCCCATGAGGAC-3'
Protein context (NP_071325.2, residues 203-223): VSAYLSQPLL[Asp213Asn]GFAMGASVTI